The following is an entry in ClinVar:

NM_002691.4(POLD1):c.3314A>T (p.Glu1105Val)

Gene: POLD1 (DNA polymerase delta 1, catalytic subunit; plus strand). Cytogenetic location: 19q13.33.
Variant type: single nucleotide variant.
Coding change: c.3314A>T on transcript NM_002691.4 (MANE Select); coding-DNA position 3314, A replaced by T.
Protein change: p.Glu1105Val; replaces glutamic acid 1105 with valine.
Molecular consequence: missense variant. On other transcripts: non-coding transcript variant (1).
Genome position (GRCh38, 1-based): chr19:50,417,937, A>T. VCF-style: chr19-50417937-A-T. GRCh37 (hg19) VCF-style: chr19-50921194-A-T.
Other names: c.3314A>T, p.Glu1105Val (NM_001256849.1); c.3392A>T, p.Glu1131Val (NM_001308632.1); short protein forms E1131V, E1105V.
Identifiers: ClinVar variation 650529 (VCV000650529.14), dbSNP rs1256482040, ClinGen allele CA406987895.

ClinVar aggregate classification (germline): Conflicting classifications of pathogenicity. Review status: criteria provided, conflicting classifications (1 of 4 stars). 2 submissions from 2 submitters: Uncertain significance (1); Likely benign (1). Last evaluated 2024-12-07.

Conditions:
Hereditary cancer-predisposing syndrome. Also called: Hereditary neoplastic syndrome; Tumor predisposition; Hereditary Cancer Syndrome; Neoplastic Syndromes, Hereditary. Identifiers: Orphanet 140162, MedGen C0027672, MeSH D009386, MONDO:0015356.
POLD1-related polyposis and colorectal cancer syndrome (CRCS10). Also called: Colorectal cancer, susceptibility to, 10; Colorectal cancer 10; COLORECTAL CANCER, SUSCEPTIBILITY TO, ON CHROMOSOME 19q. Identifiers: Orphanet 220460, MedGen C2675481, MONDO:0012953, OMIM 612591.

Allele frequency attached by ClinVar (database versions not stated): gnomAD exomes below 0.00001; TOPMed below 0.00001.
gnomAD v4.1: 3 of 1,599,266 alleles (0.00019%); highest among the groups gnomAD compares: Non-Finnish European, 0.00026%; no homozygotes.

Submissions (2):

Ambry Genetics
Classification: Likely benign for Hereditary cancer-predisposing syndrome. Last evaluated: 2024-12-07. Review status: criteria provided, single submitter. Criteria: Ambry Variant Classification Scheme 2023. Collection method: clinical testing. Allele origin: germline.

Labcorp Genetics (formerly Invitae), Labcorp
Classification: Uncertain significance for POLD1-related polyposis and colorectal cancer syndrome. Last evaluated: 2022-12-26. Review status: criteria provided, single submitter. Criteria: Invitae Variant Classification Sherloc (09022015). Collection method: clinical testing. Allele origin: germline.
Comment: In summary, the available evidence is currently insufficient to determine the role of this variant in disease. Therefore, it has been classified as a Variant of Uncertain Significance. Algorithms developed to predict the effect of missense changes on protein structure and function are either unavailable or do not agree on the potential impact of this missense change (SIFT: "Deleterious"; PolyPhen-2: "Probably Damaging"; Align-GVGD: "Class C0"). ClinVar contains an entry for this variant (Variation ID: 650529). This variant has not been reported in the literature in individuals affected with POLD1-related conditions. This variant is not present in population databases (gnomAD no frequency). This sequence change replaces glutamic acid, which is acidic and polar, with valine, which is neutral and non-polar, at codon 1105 of the POLD1 protein (p.Glu1105Val).